The following is an entry in ClinVar:

NM_002872.5(RAC2):c.236T>C (p.Leu79Pro)

Gene: RAC2 (Rac family small GTPase 2; minus strand). Cytogenetic location: 22q13.1.
Variant type: single nucleotide variant.
Coding change: c.236T>C on transcript NM_002872.5 (MANE Select); coding-DNA position 236, T replaced by C.
Protein change: p.Leu79Pro; replaces leucine 79 with proline.
Molecular consequence: missense variant.
Genome position (GRCh38, 1-based): chr22:37,231,984, A>G on the plus strand (T>C on the coding strand, the complement: RAC2 is on the minus strand). VCF-style: chr22-37231984-A-G. GRCh37 (hg19) VCF-style: chr22-37628024-A-G.
Other names: short protein forms L79P.
Identifiers: ClinVar variation 3637786 (VCV003637786.2).
Genomic context (GRCh38, chr22:37,231,984, plus strand): 5'-CAGCTCACCTTGGCGCGGACGTTCTCATAAGAGGCTGGGCTGACGAGGGAGAAGCAGATG[A>G]GGAAGACGTCCTGGGGACAGAGCAAGCGAGGTTGCTAGTGAGGAGGGCCCAGAGGTGTCC-3'
Protein context (NP_002863.1, residues 69-89): PLSYPQTDVF[Leu79Pro]ICFSLVSPAS

ClinVar aggregate classification (germline): Uncertain significance (1 of 4 stars; one submission).

Conditions:
Neutrophil immunodeficiency syndrome. Also called: Immunodeficiency 73A with defective neutrophil chemotaxis and leukocytosis. Identifiers: Orphanet 183707, MedGen C1842398, MONDO:0011988, OMIM 608203.

Submission:

Labcorp Genetics (formerly Invitae), Labcorp
Classification: Uncertain significance for Neutrophil immunodeficiency syndrome. Last evaluated: 2024-12-10. Review status: criteria provided, single submitter. Criteria: Invitae Variant Classification Sherloc (09022015). Collection method: clinical testing. Allele origin: germline.
Comment: This sequence change replaces leucine, which is neutral and non-polar, with proline, which is neutral and non-polar, at codon 79 of the RAC2 protein (p.Leu79Pro). This variant is not present in population databases (gnomAD no frequency). This variant has not been reported in the literature in individuals affected with RAC2-related conditions. Invitae Evidence Modeling of protein sequence and biophysical properties (such as structural, functional, and spatial information, amino acid conservation, physicochemical variation, residue mobility, and thermodynamic stability) indicates that this missense variant is expected to disrupt RAC2 protein function with a positive predictive value of 95%. In summary, the available evidence is currently insufficient to determine the role of this variant in disease. Therefore, it has been classified as a Variant of Uncertain Significance.